The following is an entry in ClinVar:

ClinVar aggregate classification (germline): Conflicting classifications of pathogenicity. Review status: criteria provided, conflicting classifications (1 of 4 stars). 5 submissions from 5 submitters: Uncertain significance (4); Likely benign (1). Last evaluated 2025-05-30.

Conditions:
Hereditary cancer-predisposing syndrome. Also called: Hereditary Cancer Syndrome; Tumor predisposition; Hereditary neoplastic syndrome; Neoplastic Syndromes, Hereditary. Identifiers: Orphanet 140162, MedGen C0027672, MeSH D009386, MONDO:0015356.
Hereditary breast ovarian cancer syndrome. Also called: Hereditary breast and/or ovarian cancer syndrome; Hereditary breast and ovarian cancer syndrome; Hereditary breast and ovarian cancer syndrome (HBOC); Breast and ovarian cancer; Hereditary breast and ovarian cancer; BRCA1- and BRCA2-Associated Hereditary Breast and Ovarian Cancer. Identifiers: Orphanet 145, MedGen C0677776, MeSH D061325, MONDO:0003582. Disease mechanism: loss of function.

Submissions (5):

Labcorp Genetics (formerly Invitae), Labcorp
Classification: Uncertain significance for Hereditary breast ovarian cancer syndrome. Last evaluated: 2025-05-30. Review status: criteria provided, single submitter. Criteria: Invitae Variant Classification Sherloc (09022015). Collection method: clinical testing. Allele origin: germline.
Comment: This sequence change replaces asparagine, which is neutral and polar, with isoleucine, which is neutral and non-polar, at codon 444 of the BRCA2 protein (p.Asn444Ile). This variant is not present in population databases (gnomAD no frequency). This variant has not been reported in the literature in individuals affected with BRCA2-related conditions. ClinVar contains an entry for this variant (Variation ID: 1047170). Invitae Evidence Modeling of protein sequence and biophysical properties (such as structural, functional, and spatial information, amino acid conservation, physicochemical variation, residue mobility, and thermodynamic stability) indicates that this missense variant is not expected to disrupt BRCA2 protein function with a negative predictive value of 95%. In summary, the available evidence is currently insufficient to determine the role of this variant in disease. Therefore, it has been classified as a Variant of Uncertain Significance.

Women's Health and Genetics/Laboratory Corporation of America, LabCorp
Classification: Uncertain significance. Last evaluated: 2024-11-25. Review status: criteria provided, single submitter. Criteria: LabCorp Variant Classification Summary - May 2015. Collection method: clinical testing. Allele origin: germline.

University of Washington Department of Laboratory Medicine, University of Washington
Classification: Likely benign for Hereditary cancer-predisposing syndrome. Last evaluated: 2023-03-23. Review status: criteria provided, single submitter. Criteria: Dines et al. (Genet Med. 2020). Collection method: curation. Allele origin: germline.
Comment: Missense variant in a coldspot region where missense variants are very unlikely to be pathogenic (PMID:31911673).

BRCA2 exon 10 coldspot. Reclassification based on statistical prior probability.

Ambry Genetics
Classification: Uncertain significance for Hereditary cancer-predisposing syndrome. Last evaluated: 2022-12-18. Review status: criteria provided, single submitter. Criteria: Ambry Variant Classification Scheme 2023. Collection method: clinical testing. Allele origin: germline.
Comment: The p.N444I variant (also known as c.1331A>T), located in coding exon 9 of the BRCA2 gene, results from an A to T substitution at nucleotide position 1331. The asparagine at codon 444 is replaced by isoleucine, an amino acid with dissimilar properties. This amino acid position is conserved. In addition, this alteration is predicted to be tolerated by in silico analysis. Since supporting evidence is limited at this time, the clinical significance of this alteration remains unclear.

GeneDx
Classification: Uncertain significance. Last evaluated: 2019-12-26. Review status: criteria provided, single submitter. Criteria: GeneDx Variant Classification Process June 2021. Collection method: clinical testing. Allele origin: germline. Affected: yes.
Comment: Not observed in large population cohorts (Lek et al., 2016); In silico analysis, which includes protein predictors and evolutionary conservation, supports that this variant does not alter protein structure/function; Has not been previously published as pathogenic or benign to our knowledge; Also known as 1559A>T

NM_000059.4(BRCA2):c.1331A>T (p.Asn444Ile)

Gene: BRCA2 (BRCA2 DNA repair associated; plus strand). Cytogenetic location: 13q13.1.
Variant type: single nucleotide variant.
Coding change: c.1331A>T on transcript NM_000059.4 (MANE Select); coding-DNA position 1331, A replaced by T.
Protein change: p.Asn444Ile; replaces asparagine 444 with isoleucine.
Molecular consequence: missense variant.
Genome position (GRCh38, 1-based): chr13:32,332,809, A>T. VCF-style: chr13-32332809-A-T. GRCh37 (hg19) VCF-style: chr13-32906946-A-T.
Other names: short protein forms N444I.
Identifiers: ClinVar variation 1047170 (VCV001047170.15), dbSNP rs2072409915, ClinGen allele CA387762683.